The following is an entry in ClinVar:

ClinVar aggregate classification (germline): Uncertain significance. Review status: criteria provided, multiple submitters, no conflicts (2 of 4 stars). 2 submissions from 2 submitters: Uncertain significance (2). Last evaluated 2025-11-13.

Conditions:
Mucopolysaccharidosis, MPS-III-C (MPS3C). Also called: SANFILIPPO SYNDROME C; MPS III C; MPS IIIC (Sanfilippo Syndrome Type C); MUCOPOLYSACCHARIDOSIS, TYPE IIIC; Mucopolysaccharidosis type IIIC (Sanfilippo C); mucopolysaccharidosis type 3C. Identifiers: Orphanet 581, Orphanet 79271, MedGen C0086649, MONDO:0009657, OMIM 252930.
Retinitis pigmentosa 73 (RP73). Identifiers: Orphanet 791, MedGen C4225287, MONDO:0014687, OMIM 616544.

Submissions (2):

Myriad Genetics, Inc.
Classification: Uncertain significance for Mucopolysaccharidosis, MPS-III-C. Last evaluated: 2025-11-13. Review status: criteria provided, single submitter. Criteria: Myriad Autosomal Dominant, Autosomal Recessive and X-Linked Classification Criteria (2023). Collection method: clinical testing. Allele origin: unknown.
Comment: NM_152419.2(HGSNAT):c.743G>T(G248V) is a missense variant classified as a variant of uncertain significance in the context of mucopolysaccharidosis type IIIC. G248V has not been observed in cases with relevant disease. Relevant functional assessments of this variant are not available in the literature. G248V has not been observed in referenced population frequency databases. In summary, there is insufficient evidence to classify NM_152419.2(HGSNAT):c.743G>T(G248V) as pathogenic or benign. Please note: this variant was assessed in the context of healthy population screening.

Labcorp Genetics (formerly Invitae), Labcorp
Classification: Uncertain significance for Retinitis pigmentosa 73; Mucopolysaccharidosis, MPS-III-C. Last evaluated: 2023-10-03. Review status: criteria provided, single submitter. Criteria: Invitae Variant Classification Sherloc (09022015). Collection method: clinical testing. Allele origin: germline.
Comment: This sequence change replaces glycine, which is neutral and non-polar, with valine, which is neutral and non-polar, at codon 248 of the HGSNAT protein (p.Gly248Val). This variant also falls at the last nucleotide of exon 7, which is part of the consensus splice site for this exon. This variant is not present in population databases (gnomAD no frequency). This variant has not been reported in the literature in individuals affected with HGSNAT-related conditions. ClinVar contains an entry for this variant (Variation ID: 1462478). An algorithm developed to predict the effect of missense changes on protein structure and function (PolyPhen-2) suggests that this variant is likely to be disruptive. Variants that disrupt the consensus splice site are a relatively common cause of aberrant splicing (PMID: 17576681, 9536098). Algorithms developed to predict the effect of sequence changes on RNA splicing suggest that this variant may disrupt the consensus splice site. In summary, the available evidence is currently insufficient to determine the role of this variant in disease. Therefore, it has been classified as a Variant of Uncertain Significance.

Literature cited by the submitters: PubMed 17576681 (cited by Labcorp Genetics (formerly Invitae), Labcorp); PubMed 9536098 (cited by Labcorp Genetics (formerly Invitae), Labcorp).

NM_152419.3(HGSNAT):c.743G>T (p.Gly248Val)

Gene: HGSNAT (heparan-alpha-glucosaminide N-acetyltransferase; plus strand). Cytogenetic location: 8p11.21.
Variant type: single nucleotide variant.
Coding change: c.743G>T on transcript NM_152419.3 (MANE Select); coding-DNA position 743, G replaced by T.
Protein change: p.Gly248Val; replaces glycine 248 with valine.
Molecular consequence: missense variant. On other transcripts: 5 prime UTR variant (1).
Genome position (GRCh38, 1-based): chr8:43,170,694, G>T. VCF-style: chr8-43170694-G-T. GRCh37 (hg19) VCF-style: chr8-43025837-G-T.
Other names: c.743G>T, p.Gly248Val (NM_001363227.2, NM_001363228.2); c.-91G>T (NM_001363229.2); short protein forms G248V.
Identifiers: ClinVar variation 1462478 (VCV001462478.5), dbSNP rs1324238938, ClinGen allele CA371116276.